The following is an entry in ClinVar:

ClinVar aggregate classification (germline): Uncertain significance. Review status: reviewed by expert panel (3 of 4 stars). 5 submissions from 5 submitters: Uncertain significance (1). 4 of the submissions do not count toward it. Last evaluated 2024-05-13.

Conditions:
Recombinase activating gene 2 deficiency. Also called: RAG2 deficiency. Identifiers: MedGen CN257931, MONDO:0000573.
Combined immunodeficiency with skin granulomas. Identifiers: Orphanet 157949, MedGen C2673536, MONDO:0009306, OMIM 233650.
Severe combined immunodeficiency, autosomal recessive, T cell-negative, B cell-negative, NK cell-positive. Also called: Severe combined immunodeficiency due to complete RAG1/2 deficiency; SCID, AR, T-cell negative, B-cell negative, NK cell-positive; SCID, T CELL-NEGATIVE, B CELL-NEGATIVE, NK CELL-POSITIVE. Identifiers: Orphanet 331206, MedGen C1832322, MONDO:0011086, OMIM 601457.
Inborn error of immunity. Also called: Primary immunodeficiency; Inborn errors of immunity. Identifiers: Orphanet 101997, MedGen C0398686, MONDO:0003778.
Severe combined immunodeficiency disease. Also called: Severe Combined Immune Deficiency; Severe combined immunodeficiency. Identifiers: Orphanet 183660, MedGen C0085110, MeSH D016511, MONDO:0015974, HP:0004430. Inheritance: X-Linked or Autosomal recessive.

Allele frequency attached by ClinVar (database versions not stated): gnomAD exomes below 0.00001; gnomAD 0.00001.

Submissions (5):

ClinGen Severe Combined Immunodeficiency Variant Curation Expert Panel, ClinGen
Classification: Uncertain significance for Recombinase activating gene 2 deficiency. Last evaluated: 2024-05-13. Review status: reviewed by expert panel. Criteria: ClinGen SCID ACMG Specifications RAG2 V1.0.0. Collection method: curation. Allele origin: germline. Inheritance: Autosomal recessive inheritance.
Comment: The c.328A>C (NM_000536.4) variant in RAG2 is a missense variant predicted to cause the substitution of Methionine by Leucine at amino acid 110 (p.Met110Leu). The filtering allele frequency (the upper threshold of the 95% CI of 7/1180032 alleles) of the c.328A>C variant in RAG2 is 0.000001940 for European (non-Finnish) chromosomes by gnomAD v4, which is lower than the ClinGen SCID VCEP threshold (<0.0000588) for PM2_Supporting, and therefore meets this criterion (PM2_Supporting). This variant is located in the core domain, amino acids 1-383 of RAG2, which is defined as a critical functional domain by the ClinGen SCID VCEP (PMID: 26996199); PM1_Supporting. The variant has a mean recombination activity of 74.6% (SEM 1.8) compared to WT hRAG2, which is higher than 60% of wild-type activity (to be considered at least a supporting level). So, PS3 is not applied at any strength level. (PMID: 29772310). At least one patient in the literature seems to be a carrier of this variant (PMID: 29772310); however, the complete genetic and clinical information for the patient is not available. PP4 is not met. In summary, this variant meets the criteria to be classified as a variant of uncertain significance for autosomal recessive recombinase activating gene 2 deficiency based on the ACMG/AMP criteria applied, as specified by the ClinGen SCID VCEP: PM2_Supporting and PM1_Supporting (VCEP specifications version 1).

Myriad Genetics, Inc.
Classification: Uncertain significance for Recombinase activating gene 2 deficiency. Last evaluated: 2025-10-15. Review status: criteria provided, single submitter. Criteria: Myriad Autosomal Dominant, Autosomal Recessive and X-Linked Classification Criteria (2023). Collection method: clinical testing. Allele origin: unknown. Not counted in ClinVar's aggregate classification.
Comment: NM_001243785.1(RAG2):c.328A>C(M110L) is a missense variant classified as a variant of uncertain significance in the context of severe combined immunodeficiency, RAG2-related. M110L has been observed in cases with relevant disease (PMID: 29772310, 38274105). Relevant functional assessments of this variant are not available in the literature. M110L has not been observed in referenced population frequency databases. In summary, there is insufficient evidence to classify NM_001243785.1(RAG2):c.328A>C(M110L) as pathogenic or benign. Please note: this variant was assessed in the context of healthy population screening.

Labcorp Genetics (formerly Invitae), Labcorp
Classification: Uncertain significance for Combined immunodeficiency with skin granulomas; Severe combined immunodeficiency, autosomal recessive, T cell-negative, B cell-negative, NK cell-positive. Last evaluated: 2021-08-27. Review status: criteria provided, single submitter. Criteria: Invitae Variant Classification Sherloc (09022015). Collection method: clinical testing. Allele origin: germline. Not counted in ClinVar's aggregate classification.
Comment: This sequence change replaces methionine with leucine at codon 110 of the RAG2 protein (p.Met110Leu). The methionine residue is highly conserved and there is a small physicochemical difference between methionine and leucine. This variant is not present in population databases (ExAC no frequency). This variant has not been reported in the literature in individuals affected with RAG2-related conditions. ClinVar contains an entry for this variant (Variation ID: 36720). Algorithms developed to predict the effect of missense changes on protein structure and function are either unavailable or do not agree on the potential impact of this missense change (SIFT: "Tolerated"; PolyPhen-2: "Possibly Damaging"; Align-GVGD: "Class C0"). Experimental studies have shown that this missense change affects RAG2 function (PMID: 29772310). In summary, the available evidence is currently insufficient to determine the role of this variant in disease. Therefore, it has been classified as a Variant of Uncertain Significance.

Pediatric Immunology Service, The Chaim Sheba Medical Center at Tel HaShomer
Classification: Uncertain significance for RAG2 deficiency; Primary immunodeficiency. Last evaluated: 2018-03-06. Review status: criteria provided, single submitter. Criteria: ACMG Guidelines, 2015. Collection method: research. Allele origin: germline. Affected: yes. Not counted in ClinVar's aggregate classification.

Women's Health and Genetics/Laboratory Corporation of America, LabCorp
Classification: Likely pathogenic for SCID. Last evaluated: 2011-08-18. Review status: criteria provided, single submitter. Criteria: LabCorp Variant Classification Summary - May 2015. Collection method: curation, clinical testing. Allele origin: germline. Inheritance: autosomal unknown. Affected: yes. Not counted in ClinVar's aggregate classification.
ClinVar note: Converted during submission from likely pathogenic to Likely pathogenic.

Literature cited by the submitters: PubMed 29772310 (cited by Myriad Genetics, Inc. and Labcorp Genetics (formerly Invitae), Labcorp); PubMed 38274105 (cited by Myriad Genetics, Inc.).

NM_000536.4(RAG2):c.328A>C (p.Met110Leu)

Gene: RAG2 (recombination activating 2; minus strand). Cytogenetic location: 11p12.
Variant type: single nucleotide variant.
Coding change: c.328A>C on transcript NM_000536.4 (MANE Select); coding-DNA position 328, A replaced by C.
Protein change: p.Met110Leu; replaces methionine 110 with leucine.
Molecular consequence: missense variant.
Genome position (GRCh38, 1-based): chr11:36,593,841, T>G on the plus strand (A>C on the coding strand, the complement: RAG2 is on the minus strand). VCF-style: chr11-36593841-T-G. GRCh37 (hg19) VCF-style: chr11-36615391-T-G.
Other names: NM_000536.4(RAG2):c.328A>C; c.328A>C, p.Met110Leu (NM_001243785.2, NM_001243786.2); short protein forms M110L.
Identifiers: ClinVar variation 36720 (VCV000036720.12), dbSNP rs193922575, ClinGen allele CA214221.
Genomic context (GRCh38, chr11:36,593,841, plus strand): 5'-CCAAGTCTTTCTCTGTGCAGCGAAAAGTAACCTTTTTGTTGTTCTTGCAAACAATAGACA[T>G]GACATAAATCTTATCTGAAACCTCATTGTTTGGTGTTTTCCCTCCATGGATGATGTATTG-3'
Protein context (NP_000527.2, residues 100-120): NNEVSDKIYV[Met110Leu]SIVCKNNKKV